The following is an entry in ClinVar:

ClinVar aggregate classification (germline): Uncertain significance (1 of 4 stars; one submission).

Conditions:
Inborn genetic diseases. Identifiers: MedGen C0950123, MeSH D030342.

gnomAD v4.1: 5 of 1,613,658 alleles (0.00031%); highest among the groups gnomAD compares: Non-Finnish European, 0.00042%; no homozygotes.

Submission:

Ambry Genetics
Classification: Uncertain significance for Inborn genetic diseases. Last evaluated: 2025-08-20. Review status: criteria provided, single submitter. Criteria: Ambry Variant Classification Scheme 2023. Collection method: clinical testing. Allele origin: germline.
Comment: The p.S52A variant (also known as c.154T>G), located in coding exon 1 of the FANCM gene, results from a T to G substitution at nucleotide position 154. The serine at codon 52 is replaced by alanine, an amino acid with similar properties. This amino acid position is conserved. In addition, this alteration is predicted to be tolerated by in silico analysis. Based on the available evidence, the clinical significance of this variant remains unclear.

NM_020937.4(FANCM):c.154T>G (p.Ser52Ala)

Gene: FANCM (FA complementation group M; plus strand). Cytogenetic location: 14q21.2.
Variant type: single nucleotide variant.
Coding change: c.154T>G on transcript NM_020937.4 (MANE Select); coding-DNA position 154, T replaced by G.
Protein change: p.Ser52Ala; replaces serine 52 with alanine.
Molecular consequence: missense variant.
Genome position (GRCh38, 1-based): chr14:45,136,185, T>G. VCF-style: chr14-45136185-T-G. GRCh37 (hg19) VCF-style: chr14-45605388-T-G.
Other names: c.154T>G, p.Ser52Ala (NM_001308133.2, NM_001308134.2); short protein forms S52A.
Identifiers: ClinVar variation 4254686 (VCV004254686.1).
Genomic context (GRCh38, chr14:45,136,185, plus strand): 5'-CCTCAGAGCCCTGGCAGCTCCAAGGCGCCTTTGCCAGCAGCAGCGGAGGCTCAGCTGGAG[T>G]CGGACGATGATGTGTTGCTTGTCGCGGCGTACGAGGCTGAGCGGCAGTTGTGTCTAGAGA-3'
Protein context (NP_065988.1, residues 42-62): LPAAAEAQLE[Ser52Ala]DDDVLLVAAY